The following is an entry in ClinVar:

ClinVar aggregate classification (germline): Uncertain significance (1 of 4 stars; one submission).

Conditions:
Ataxia-telangiectasia syndrome (AT). Also called: ATAXIA-TELANGIECTASIA, COMPLEMENTATION GROUP A; ATAXIA-TELANGIECTASIA, FRESNO VARIANT; LOUIS-BAR SYNDROME; Ataxia-telangiectasia, complementation group D; Ataxia-telangiectasia, complementation group E; Cerebello-oculocutaneous telangiectasia. Identifiers: Orphanet 100, MedGen C0004135, MONDO:0008840, OMIM 208900.

Submission:

Labcorp Genetics (formerly Invitae), Labcorp
Classification: Uncertain significance for Ataxia-telangiectasia syndrome. Last evaluated: 2024-04-07. Review status: criteria provided, single submitter. Criteria: Invitae Variant Classification Sherloc (09022015). Collection method: clinical testing. Allele origin: germline.
Comment: This sequence change replaces phenylalanine, which is neutral and non-polar, with isoleucine, which is neutral and non-polar, at codon 209 of the ATM protein (p.Phe209Ile). This variant is not present in population databases (gnomAD no frequency). This variant has not been reported in the literature in individuals affected with ATM-related conditions. An algorithm developed to predict the effect of missense changes on protein structure and function (PolyPhen-2) suggests that this variant is likely to be tolerated. In summary, the available evidence is currently insufficient to determine the role of this variant in disease. Therefore, it has been classified as a Variant of Uncertain Significance.

NM_000051.4(ATM):c.625T>A (p.Phe209Ile)

Gene: ATM (ATM serine/threonine kinase; plus strand). Cytogenetic location: 11q22.3.
Variant type: single nucleotide variant.
Coding change: c.625T>A on transcript NM_000051.4 (MANE Select); coding-DNA position 625, T replaced by A.
Protein change: p.Phe209Ile; replaces phenylalanine 209 with isoleucine.
Molecular consequence: missense variant.
Genome position (GRCh38, 1-based): chr11:108,244,081, T>A. VCF-style: chr11-108244081-T-A. GRCh37 (hg19) VCF-style: chr11-108114808-T-A.
Other names: c.625T>A, p.Phe209Ile (NM_001351834.2); short protein forms F209I.
Identifiers: ClinVar variation 3649052 (VCV003649052.2).